The following is an entry in ClinVar:

NM_000051.4(ATM):c.8100A>T (p.Lys2700Asn)

Genes: ATM (ATM serine/threonine kinase; plus strand), C11orf65 (chromosome 11 open reading frame 65; minus strand). Cytogenetic location: 11q22.3.
Variant type: single nucleotide variant.
Coding change: c.8100A>T on transcript NM_000051.4 (MANE Select); coding-DNA position 8100, A replaced by T.
Protein change: p.Lys2700Asn; replaces lysine 2700 with asparagine.
Molecular consequence: missense variant. On other transcripts: intron variant (2).
Genome position (GRCh38, 1-based): chr11:108,335,058, A>T. VCF-style: chr11-108335058-A-T. GRCh37 (hg19) VCF-style: chr11-108205785-A-T.
Other names: c.8100A>T, p.Lys2700Asn (NM_001351834.2); c.641-25987T>A (NM_001330368.2); c.*38+162T>A (NM_001351110.2); short protein forms K2700N.
Identifiers: ClinVar variation 220283 (VCV000220283.9), dbSNP rs778601472, ClinGen allele CA349815.

ClinVar aggregate classification (germline): Uncertain significance (1 of 4 stars; one submission).

Conditions:
Ataxia-telangiectasia syndrome (AT). Also called: Ataxia telangiectasia (A-T); Cerebello-oculocutaneous telangiectasia; Immunodeficiency with ataxia telangiectasia; LOUIS-BAR SYNDROME; AT, COMPLEMENTATION GROUP C; ATAXIA-TELANGIECTASIA, FRESNO VARIANT. Identifiers: Orphanet 100, MedGen C0004135, MONDO:0008840, OMIM 208900.

Submission:

Labcorp Genetics (formerly Invitae), Labcorp
Classification: Uncertain significance for Ataxia-telangiectasia syndrome. Last evaluated: 2020-05-01. Review status: criteria provided, single submitter. Criteria: Invitae Variant Classification Sherloc (09022015). Collection method: clinical testing. Allele origin: germline.
Comment: This sequence change replaces lysine with asparagine at codon 2700 of the ATM protein (p.Lys2700Asn). The lysine residue is highly conserved and there is a moderate physicochemical difference between lysine and asparagine. This variant is not present in population databases (ExAC no frequency). This variant has been observed in individual(s) with ataxia-telangiectasia (PMID: 12815592). In at least one individual the data is consistent with the variant being in trans (on the opposite chromosome) from a pathogenic variant. ClinVar contains an entry for this variant (Variation ID: 220283). Algorithms developed to predict the effect of missense changes on protein structure and function (SIFT, PolyPhen-2, Align-GVGD) all suggest that this variant is likely to be disruptive, but these predictions have not been confirmed by published functional studies and their clinical significance is uncertain. In summary, the available evidence is currently insufficient to determine the role of this variant in disease. Therefore, it has been classified as a Variant of Uncertain Significance.

Literature cited by the submitters: PubMed 12815592.